The following is an entry in ClinVar:

ClinVar aggregate classification (germline): Conflicting classifications of pathogenicity. Review status: criteria provided, conflicting classifications (1 of 4 stars). 8 submissions from 8 submitters: Uncertain significance (5); Likely benign (3). Last evaluated 2026-09-01.

Conditions:
CHD7-related disorder. Also called: CHD7-related condition.
Inborn genetic diseases. Identifiers: MedGen C0950123, MeSH D030342.
Hypogonadotropic hypogonadism 5 with or without anosmia (KAL5). Also called: HYPOGONADOTROPIC HYPOGONADISM 5 WITH ANOSMIA; HYPOGONADOTROPHIC HYPOGONADISM 5 WITHOUT ANOSMIA; CHD7-Related GnRH Deficiency (Kallmann Syndrome 5). Identifiers: Orphanet 478, MedGen C3552553, MONDO:0012880, OMIM 612370. Disease mechanism: loss of function.
CHARGE syndrome (CHARGE). Also called: Hittner Hirsch Kreh syndrome; Coloboma, heart anomaly, choanal atresia, retardation, genital and ear anomalies; CHARGE association; Hall-Hittner syndrome; CHARGE ASSOCIATION--COLOBOMA, HEART ANOMALY, CHOANAL ATRESIA, RETARDATION, GENITAL AND EAR ANOMALIES. Identifiers: Orphanet 138, MedGen C0265354, MONDO:0008965.

Allele frequency attached by ClinVar (database versions not stated): gnomAD 0.00004 and 0.00005; TOPMed 0.00004; gnomAD exomes 0.00008; ExAC 0.00011.
gnomAD v4.1: 129 of 1,613,588 alleles (0.008%); highest among the groups gnomAD compares: South Asian, 0.022%; 1 homozygote.

Submissions (8):

CeGaT Center for Human Genetics Tuebingen
Classification: Likely benign. Last evaluated: 2026-09-01. Review status: criteria provided, single submitter. Criteria: CeGaT Center For Human Genetics Tuebingen Variant Classification Criteria Version 2. Collection method: clinical testing. Allele origin: germline. Affected: yes. Observed: 1 variant allele.
Comment: CHD7: BS1

PreventionGenetics, part of Exact Sciences
Classification: Uncertain significance for CHD7-related condition. Last evaluated: 2026-06-02. Review status: criteria provided, single submitter. Criteria: ACMG Guidelines, 2015. Collection method: clinical testing. Allele origin: germline.
Comment: The CHD7 c.2840G>A variant is predicted to result in the amino acid substitution p.Arg947Gln. This variant has been reported in two individuals with CHARGE syndrome (Table 3, Bartels et al. 2010. PubMed ID: 21158681; Table S1, Bergman et al. 2012. PubMed ID: 22539353) and in an individual with hypogonadotropic hypogonadism with anosmia (Table 1, Kałużna et al. 2021. PubMed ID: 34198905). This variant is reported in 0.023% of alleles in individuals of South Asian descent in gnomAD. Although we suspect that this variant may be benign, at this time, the clinical significance of this variant is uncertain due to the absence of conclusive functional and genetic evidence.

Labcorp Genetics (formerly Invitae), Labcorp
Classification: Likely benign for CHARGE syndrome. Last evaluated: 2025-11-15. Review status: criteria provided, single submitter. Criteria: Invitae Variant Classification Sherloc (09022015). Collection method: clinical testing. Allele origin: germline.

Blueprint Genetics
Classification: Likely benign. Last evaluated: 2023-08-04. Review status: criteria provided, single submitter. Criteria: ACMG Guidelines, 2015. Collection method: clinical testing. Allele origin: germline.

GeneDx
Classification: Uncertain significance. Last evaluated: 2021-01-25. Review status: criteria provided, single submitter. Criteria: GeneDx Variant Classification Process June 2021. Collection method: clinical testing. Allele origin: germline. Affected: yes.
Comment: In silico analysis supports that this missense variant has a deleterious effect on protein structure/function; Previously reported as a variant of uncertain significance in a patient with CHARGE syndrome (Bartels et al., 2010); This variant is associated with the following publications: (PMID: 33206719, 22539353, 21158681)

Fulgent Genetics
Classification: Uncertain significance for CHD7-related CHARGE syndrome; Hypogonadotropic hypogonadism 5 with or without anosmia. Last evaluated: 2018-10-31. Review status: criteria provided, single submitter. Criteria: ACMG Guidelines, 2015. Collection method: clinical testing. Allele origin: unknown.

Ambry Genetics
Classification: Uncertain significance for Inborn genetic diseases. Last evaluated: 2016-07-06. Review status: criteria provided, single submitter. Criteria: Ambry Variant Classification Scheme 2023. Collection method: clinical testing. Allele origin: germline.
Comment: The p.R947Q variant (also known as c.2840G>A), located in coding exon 10 of the CHD7 gene, results from a G to A substitution at nucleotide position 2840. The arginine at codon 947 is replaced by glutamine, an amino acid with highly similar properties. This alteration was detected in an individual undergoing CHD7 analysis; however, no phenotypic information was provided (Bartels CF et al. Genet Test Mol Biomarkers, 2010GTF;14:881-91). This variant was not reported in population based cohorts in the following databases: Database of Single Nucleotide Polymorphisms (dbSNP), NHLBI Exome Sequencing Project (ESP), and 1000 Genomes Project. In the ESP, this variant was not observed in 5914 samples (11828 alleles) with coverage at this position. This amino acid position is highly conserved in available vertebrate species. In addition, this alteration is predicted to be deleterious by in silico analysis. Since supporting evidence is limited at this time, the clinical significance of this alteration remains unclear.

Center for Genomics, Ann and Robert H. Lurie Children's Hospital of Chicago
Classification: Uncertain significance for Hypogonadotropic hypogonadism 5 with or without anosmia; CHD7-related CHARGE syndrome. Review status: criteria provided, single submitter. Criteria: ACMG Guidelines, 2015. Collection method: clinical testing. Allele origin: germline.
Comment: CHD7 NM_017780.3 exon11 p.Arg947Gln (c.2840G>A): This variant has been reported in the literature in 1 individual with a clinical suspicion of CHARGE syndrome (Bartels 2010 PMID:21158661). This variant is present in 0.02% (7/30590) of South Asian alleles including 1 homozygote in the Genome Aggregation Database. This variant is present in ClinVar (Variation ID:529140). Evolutionary conservation and computational predictive tools suggest that this variant may impact the protein. In summary, data on this variant is insufficient for disease classification. Therefore, the clinical significance of this variant is uncertain.

Literature cited by the submitters: PubMed 21158681 (cited by Ambry Genetics); PubMed 22539353 (cited by Ambry Genetics).

NM_017780.4(CHD7):c.2840G>A (p.Arg947Gln)

Gene: CHD7 (chromodomain helicase DNA binding protein 7; plus strand). Cytogenetic location: 8q12.2.
Variant type: single nucleotide variant.
Coding change: c.2840G>A on transcript NM_017780.4 (MANE Select); coding-DNA position 2840, G replaced by A.
Protein change: p.Arg947Gln; replaces arginine 947 with glutamine.
Molecular consequence: missense variant. On other transcripts: intron variant (1).
Genome position (GRCh38, 1-based): chr8:60,822,028, G>A. VCF-style: chr8-60822028-G-A. GRCh37 (hg19) VCF-style: chr8-61734587-G-A.
Other names: c.1717-40201G>A (NM_001316690.1); short protein forms R947Q.
Identifiers: ClinVar variation 529140 (VCV000529140.23), dbSNP rs768481542, ClinGen allele CA4759847.